The following is an entry in ClinVar:

ClinVar aggregate classification (germline): Uncertain significance (1 of 4 stars; one submission).

Conditions:
Hajdu-Cheney syndrome (HJCYS). Also called: SERPENTINE FIBULA-POLYCYSTIC KIDNEY SYNDROME; Acroosteolysis dominant type; ACROOSTEOLYSIS WITH OSTEOPOROSIS AND CHANGES IN SKULL AND MANDIBLE. Identifiers: Orphanet 955, MedGen C0917715, MONDO:0007057, OMIM 102500.

Allele frequency attached by ClinVar (database versions not stated): gnomAD exomes 0.00002; TOPMed 0.00002; gnomAD 0.00003.
gnomAD v4.1: 34 of 1,613,990 alleles (0.0021%); highest among the groups gnomAD compares: East Asian, 0.0089%; no homozygotes.

Submission:

Labcorp Genetics (formerly Invitae), Labcorp
Classification: Uncertain significance for Hajdu-Cheney syndrome. Last evaluated: 2025-07-14. Review status: criteria provided, single submitter. Criteria: Invitae Variant Classification Sherloc (09022015). Collection method: clinical testing. Allele origin: germline.
Comment: This sequence change replaces alanine, which is neutral and non-polar, with valine, which is neutral and non-polar, at codon 1968 of the NOTCH2 protein (p.Ala1968Val). This variant is present in population databases (no rsID available, gnomAD 0.02%). This missense change has been observed in individual(s) with clinical features of NOTCH2-related conditions (PMID: 28566479). ClinVar contains an entry for this variant (Variation ID: 2202836). Invitae Evidence Modeling of protein sequence and biophysical properties (such as structural, functional, and spatial information, amino acid conservation, physicochemical variation, residue mobility, and thermodynamic stability) indicates that this missense variant is not expected to disrupt NOTCH2 protein function with a negative predictive value of 80%. In summary, the available evidence is currently insufficient to determine the role of this variant in disease. Therefore, it has been classified as a Variant of Uncertain Significance.

Literature cited by the submitters: PubMed 28566479.

NM_024408.4(NOTCH2):c.5903C>T (p.Ala1968Val)

Gene: NOTCH2 (notch receptor 2; minus strand). Cytogenetic location: 1p12.
Variant type: single nucleotide variant.
Coding change: c.5903C>T on transcript NM_024408.4 (MANE Select); coding-DNA position 5903, C replaced by T.
Protein change: p.Ala1968Val; replaces alanine 1968 with valine.
Molecular consequence: missense variant.
Genome position (GRCh38, 1-based): chr1:119,918,432, G>A on the plus strand (C>T on the coding strand, the complement: NOTCH2 is on the minus strand). VCF-style: chr1-119918432-G-A. GRCh37 (hg19) VCF-style: chr1-120461055-G-A.
Other names: short protein forms A1968V.
Identifiers: ClinVar variation 2202836 (VCV002202836.4), dbSNP rs930621137, ClinGen allele CA30314664.